The following is an entry in ClinVar:

NM_005293.3(GPR20):c.765G>A (p.Thr255=)

Gene: GPR20 (G protein-coupled receptor 20; minus strand). Cytogenetic location: 8q24.3.
Variant type: single nucleotide variant.
Coding change: c.765G>A on transcript NM_005293.3 (MANE Select); coding-DNA position 765, G replaced by A.
Protein change: p.Thr255=; no amino-acid change (threonine 255 retained).
Molecular consequence: synonymous variant.
Genome position (GRCh38, 1-based): chr8:141,357,159, C>T on the plus strand (G>A on the coding strand, the complement: GPR20 is on the minus strand). VCF-style: chr8-141357159-C-T. GRCh37 (hg19) VCF-style: chr8-142367259-C-T.
Identifiers: ClinVar variation 2658874 (VCV002658874.24), dbSNP rs201478564, ClinGen allele CA4898522.

ClinVar aggregate classification (germline): Likely benign (1 of 4 stars; one submission).

Allele frequency attached by ClinVar (database versions not stated): gnomAD exomes 0.00005; gnomAD 0.00006; ExAC 0.00008; 1000 Genomes Project 30x 0.00016; 1000 Genomes Project 0.00020.
gnomAD v4.1: 87 of 1,608,538 alleles (0.0054%); highest among the groups gnomAD compares: Non-Finnish European, 0.0053%; no homozygotes.

Submission:

CeGaT Center for Human Genetics Tuebingen
Classification: Likely benign. Last evaluated: 2023-01-01. Review status: criteria provided, single submitter. Criteria: CeGaT Center For Human Genetics Tuebingen Variant Classification Criteria Version 2. Collection method: clinical testing. Allele origin: germline. Affected: yes. Observed: 1 variant allele.
Comment: GPR20: BP4, BP7